The following is an entry in ClinVar:

NM_173653.4(SLC9A9):c.171G>T (p.Val57=)

Gene: SLC9A9 (solute carrier family 9 member A9; minus strand). Cytogenetic location: 3q24.
Variant type: single nucleotide variant.
Coding change: c.171G>T on transcript NM_173653.4 (MANE Select); coding-DNA position 171, G replaced by T.
Protein change: p.Val57=; no amino-acid change (valine 57 retained).
Molecular consequence: synonymous variant.
Genome position (GRCh38, 1-based): chr3:143,848,152, C>A on the plus strand (G>T on the coding strand, the complement: SLC9A9 is on the minus strand). VCF-style: chr3-143848152-C-A. GRCh37 (hg19) VCF-style: chr3-143566994-C-A.
Identifiers: ClinVar variation 3358680 (VCV003358680.1).

ClinVar aggregate classification (germline): Likely benign (0 of 4 stars; one submission).

Conditions:
SLC9A9-related disorder. Also called: SLC9A9-related condition.

gnomAD v4.1: 16 of 1,613,474 alleles (0.00099%); highest among the groups gnomAD compares: Middle Eastern, 0.099%; no homozygotes.

Submission:

PreventionGenetics, part of Exact Sciences
Classification: Likely benign for SLC9A9-related condition. Last evaluated: 2019-08-12. Review status: no assertion criteria provided. Collection method: clinical testing. Allele origin: germline.
Comment: This variant is classified as likely benign based on ACMG/AMP sequence variant interpretation guidelines (Richards et al. 2015 PMID: 25741868, with internal and published modifications).